The following is an entry in ClinVar:

ClinVar aggregate classification (germline): Pathogenic. Review status: criteria provided, multiple submitters, no conflicts (2 of 4 stars). 4 submissions from 4 submitters: Pathogenic (3). 1 of the submissions does not count toward it. Last evaluated 2025-03-07.

Conditions:
Short stature, microcephaly, and endocrine dysfunction (SSMED). Identifiers: Orphanet 436182, MedGen C4225288, MONDO:0014686, OMIM 616541.

Allele frequency attached by ClinVar (database versions not stated): TOPMed 0.00001; gnomAD exomes 0.00002 and 0.00001; ExAC 0.00001; gnomAD 0.00003.
gnomAD v4.1: 39 of 1,611,664 alleles (0.0024%); highest among the groups gnomAD compares: Admixed American, 0.0033%; no homozygotes.

Submissions (4):

Labcorp Genetics (formerly Invitae), Labcorp
Classification: Pathogenic. Last evaluated: 2025-03-07. Review status: criteria provided, single submitter. Criteria: Invitae Variant Classification Sherloc (09022015). Collection method: clinical testing. Allele origin: germline.
Comment: This sequence change creates a premature translational stop signal (p.Arg225*) in the XRCC4 gene. It is expected to result in an absent or disrupted protein product. Loss-of-function variants in XRCC4 are known to be pathogenic (PMID: 25728776). This variant is present in population databases (rs768825050, gnomAD 0.003%). This premature translational stop signal has been observed in individual(s) with short stature, microcephaly, and endocrine dysfunction (PMID: 25728776). ClinVar contains an entry for this variant (Variation ID: 208518). For these reasons, this variant has been classified as Pathogenic.

GeneDx
Classification: Pathogenic. Last evaluated: 2024-01-23. Review status: criteria provided, single submitter. Criteria: GeneDx Variant Classification Process June 2021. Collection method: clinical testing. Allele origin: germline. Affected: yes.
Comment: Nonsense variant predicted to result in protein truncation or nonsense mediated decay in a gene for which loss of function is a known mechanism of disease; This variant is associated with the following publications: (PMID: 25872942, 26255102, 35000298, 18695064, 33842963, 32524007, 27169690, 25728776)

Neuberg Centre For Genomic Medicine, NCGM
Classification: Pathogenic for Short stature, microcephaly, and endocrine dysfunction. Review status: criteria provided, single submitter. Criteria: ACMG Guidelines, 2015. Collection method: clinical testing. Allele origin: germline. Inheritance: Autosomal recessive inheritance. Affected: yes.
Comment: The observed stop gained variant c.673C>Tp.Arg225Ter in the XRCC4 gene has been reported previously in individuals affected with XRCC4 related disorder. Experimental evidence shows that the defects of XRCC4 in patients might be mainly due to insufficiency in protein quantity and impaired functionality, underscoring the importance of XRCC4's DSB repair function in normal development. Bee L, et al., 2015; Asa ADDC, et al., 2021. This variant is reported with the allele frequency 0.001% in the gnomAD Exomes. It is submitted to ClinVar as Pathogenic. Computational evidence MutationTaster - Disease causing predicts damaging effect on protein structure and function for this variant. This variant is predicted to cause loss of normal protein function either through protein truncation or nonsense-mediated mRNA decay. Loss of function variants have been previously reported to be disease causing. For these reasons, this variant has been classified as Pathogenic.

OMIM
Classification: Pathogenic for SHORT STATURE, MICROCEPHALY, AND ENDOCRINE DYSFUNCTION. Last evaluated: 2015-07-23. Review status: no assertion criteria provided. Collection method: literature only. Allele origin: germline. Not counted in ClinVar's aggregate classification.

Literature cited by the submitters: PubMed 25728776 (cited by Labcorp Genetics (formerly Invitae), Labcorp and OMIM); PubMed 25872942 (cited by OMIM); PubMed 18695064 (cited by OMIM); PubMed 26255102 (cited by OMIM).

NM_003401.5(XRCC4):c.673C>T (p.Arg225Ter)

Gene: XRCC4 (X-ray repair cross complementing 4; plus strand). Cytogenetic location: 5q14.2.
Variant type: single nucleotide variant.
Coding change: c.673C>T on transcript NM_003401.5 (MANE Select); coding-DNA position 673, C replaced by T.
Protein change: p.Arg225Ter; replaces arginine 225 with a stop codon.
Molecular consequence: nonsense.
Genome position (GRCh38, 1-based): chr5:83,204,849, C>T. VCF-style: chr5-83204849-C-T. GRCh37 (hg19) VCF-style: chr5-82500668-C-T.
Other names: c.673C>T, p.Arg225Ter (NM_001318012.3, NM_001318013.2, NM_022406.5 and 1 more transcripts); c.673C>T (NM_022406.2); short protein forms R225*.
Identifiers: ClinVar variation 208518 (VCV000208518.5), dbSNP rs768825050, ClinGen allele CA204486.
Genomic context (GRCh38, chr5:83,204,849, plus strand): 5'-ATAATTCTACCTTTCTCTGTTTCTAGGGAAACTGCAATCTGTTCTGAAATGACTGCTGAC[C>T]GAGATCCAGTCTATGATGAGAGTACTGATGAGGAAAGTGAAAACCAAACTGATCTCTCTG-3'